The following is an entry in ClinVar:

NM_018723.4(RBFOX1):c.295G>A (p.Asp99Asn)

Genes: RBFOX1 (RNA binding fox-1 homolog 1; plus strand), LOC126862278 (CDK7 strongly-dependent group 2 enhancer GRCh37_chr16:7629446-7630645; plus strand). Cytogenetic location: 16p13.3.
Variant type: single nucleotide variant.
Coding change: c.295G>A on transcript NM_018723.4 (MANE Select); coding-DNA position 295, G replaced by A.
Protein change: p.Asp99Asn; replaces aspartic acid 99 with asparagine.
Molecular consequence: missense variant.
Genome position (GRCh38, 1-based): chr16:7,579,801, G>A. VCF-style: chr16-7579801-G-A. GRCh37 (hg19) VCF-style: chr16-7629803-G-A.
Other names: c.295G>A, p.Asp99Asn (NM_001142333.2, NM_001142334.2, NM_001364800.2 and 1 more transcripts); c.424G>A, p.Asp142Asn (NM_001308117.1, NM_001411047.1, NM_001415891.1 and 5 more transcripts); c.892G>A, p.Asp298Asn (NM_001415887.1, NM_001415888.1); c.403G>A, p.Asp135Asn (NM_001415889.1, NM_001415892.1, NM_001415894.1 and 5 more transcripts); c.370G>A, p.Asp124Asn (NM_001415890.1, NM_001415893.1, NM_001415913.1 and 4 more transcripts); c.355G>A, p.Asp119Asn (NM_001415906.1, NM_001415915.1, NM_145891.3 and 4 more transcripts); c.301G>A, p.Asp101Asn (NM_001415911.1, NM_001415917.1, NM_001415902.1); short protein forms D142N, D119N, D99N, D101N, D124N, D135N, D298N.
Identifiers: ClinVar variation 2710771 (VCV002710771.3), dbSNP rs774467606, ClinGen allele CA7891435.
Genomic context (GRCh38, chr16:7,579,801, plus strand): 5'-ACTGAGAACCTCTTCGGTTTCTTCTTGTTCTTTTAGCAGACAGATGACGCAGCACCGACG[G>A]ATGGCCAGCCCCAGACACAACCTTCTGAAAACACGGAAAACAAGTCTCAGCCCAAGCGGC-3'
Protein context (NP_061193.2, residues 89-109): ATQTDDAAPT[Asp99Asn]GQPQTQPSEN

ClinVar aggregate classification (germline): Uncertain significance (1 of 4 stars; one submission).

Conditions:
Idiopathic generalized epilepsy. Also called: Generalised epilepsy; EIG. Identifiers: MedGen C0270850, MONDO:0005579, OMIM 600669.

Allele frequency attached by ClinVar (database versions not stated): gnomAD 0.00001.
gnomAD v4.1: 8 of 1,613,946 alleles (0.0005%); highest among the groups gnomAD compares: Admixed American, 0.013%; no homozygotes.

Submission:

Labcorp Genetics (formerly Invitae), Labcorp
Classification: Uncertain significance for Idiopathic generalized epilepsy. Last evaluated: 2025-02-06. Review status: criteria provided, single submitter. Criteria: Invitae Variant Classification Sherloc (09022015). Collection method: clinical testing. Allele origin: germline.
Comment: This sequence change replaces aspartic acid, which is acidic and polar, with asparagine, which is neutral and polar, at codon 119 of the RBFOX1 protein (p.Asp119Asn). This variant is present in population databases (rs774467606, gnomAD 0.02%). This variant has not been reported in the literature in individuals affected with RBFOX1-related conditions. ClinVar contains an entry for this variant (Variation ID: 2710771). Invitae Evidence Modeling of protein sequence and biophysical properties (such as structural, functional, and spatial information, amino acid conservation, physicochemical variation, residue mobility, and thermodynamic stability) indicates that this missense variant is not expected to disrupt RBFOX1 protein function with a negative predictive value of 80%. In summary, the available evidence is currently insufficient to determine the role of this variant in disease. Therefore, it has been classified as a Variant of Uncertain Significance.